The following is an entry in ClinVar:

NM_001145860.2(POP1):c.1366G>A (p.Gly456Arg)

Gene: POP1 (POP1 ribonuclease P/MRP subunit; plus strand). Cytogenetic location: 8q22.2.
Variant type: single nucleotide variant.
Coding change: c.1366G>A on transcript NM_001145860.2 (MANE Select); coding-DNA position 1366, G replaced by A.
Protein change: p.Gly456Arg; replaces glycine 456 with arginine.
Molecular consequence: missense variant.
Genome position (GRCh38, 1-based): chr8:98,140,081, G>A. VCF-style: chr8-98140081-G-A. GRCh37 (hg19) VCF-style: chr8-99152309-G-A.
Other names: c.1366G>A, p.Gly456Arg (NM_001145861.2, NM_015029.3); c.1366G>A (NM_015029.2); short protein forms G456R.
Identifiers: ClinVar variation 1484874 (VCV001484874.7), dbSNP rs202137405, ClinGen allele CA4820562.
Genomic context (GRCh38, chr8:98,140,081, plus strand): 5'-AAAATTATGAAGGTGGATTCATTGTTCGTCCAGTGAATAGTAGTTGTTATTTTTCAGGTG[G>A]GAGAGGACACAGAGGAGACACCTCACCGCTGGTGGATAGAAACCTGTAAGAAACCTGACA-3'
Protein context (NP_001139332.1, residues 446-466): AIKAASVHTV[Gly456Arg]EDTEETPHRW

ClinVar aggregate classification (germline): Uncertain significance. Review status: criteria provided, multiple submitters, no conflicts (2 of 4 stars). 2 submissions from 2 submitters: Uncertain significance (2). Last evaluated 2021-09-24.

Conditions:
Inborn genetic diseases. Identifiers: MedGen C0950123, MeSH D030342.

Allele frequency attached by ClinVar (database versions not stated): gnomAD exomes 0.00001 and 0.00002; ExAC 0.00003; TOPMed 0.00009; ESP Exome Variant Server 0.00015; gnomAD 0.00015 and 0.00016; 1000 Genomes Project 30x 0.00016; 1000 Genomes Project 0.00020.
gnomAD v4.1: 38 of 1,612,904 alleles (0.0024%); highest among the groups gnomAD compares: African/African-American, 0.045%; no homozygotes.

Submissions (3):

Labcorp Genetics (formerly Invitae), Labcorp
Classification: Uncertain significance. Last evaluated: 2021-09-24. Review status: criteria provided, single submitter. Criteria: Invitae Variant Classification Sherloc (09022015). Collection method: clinical testing. Allele origin: germline.
Comment: This sequence change replaces glycine with arginine at codon 456 of the POP1 protein (p.Gly456Arg). The glycine residue is weakly conserved and there is a moderate physicochemical difference between glycine and arginine. This variant is present in population databases (rs202137405, ExAC 0.04%). This variant has not been reported in the literature in individuals with POP1-related conditions. Algorithms developed to predict the effect of missense changes on protein structure and function (SIFT, PolyPhen-2, Align-GVGD) all suggest that this variant is likely to be tolerated, but these predictions have not been confirmed by published functional studies and their clinical significance is uncertain. In summary, the available evidence is currently insufficient to determine the role of this variant in disease. Therefore, it has been classified as a Variant of Uncertain Significance.

Ambry Genetics
Classification: Uncertain significance for Inborn genetic diseases. Last evaluated: 2021-08-02. Review status: criteria provided, single submitter. Criteria: Ambry Variant Classification Scheme 2023. Collection method: clinical testing. Allele origin: germline.

Dr. Peter K. Rogan Lab, Western University
No classification provided (evidence only). Condition: Acute myeloid leukemia. Review status: no classification provided. Collection method: in vitro. Allele origin: not applicable. Functional consequence: retained intron. Not counted in ClinVar's aggregate classification.